The following is an entry in ClinVar:

ClinVar aggregate classification (germline): Uncertain significance (1 of 4 stars; one submission).

Conditions:
Progressive microcephaly-seizures-cortical blindness-developmental delay syndrome. Also called: Seizures, cortical blindness, and microcephaly syndrome. Identifiers: Orphanet 477814, MedGen C5567650, MONDO:0014714, OMIM 616632.
Autosomal dominant nonsyndromic hearing loss 1. Also called: KONIGSMARK SYNDROME; DEAFNESS, AUTOSOMAL DOMINANT 1, WITH OR WITHOUT THROMBOCYTOPENIA. Identifiers: Orphanet 90635, MedGen C1852282, MONDO:0007424, OMIM 124900.

Submission:

Labcorp Genetics (formerly Invitae), Labcorp
Classification: Uncertain significance for Progressive microcephaly-seizures-cortical blindness-developmental delay syndrome; Autosomal dominant nonsyndromic hearing loss 1. Last evaluated: 2023-06-16. Review status: criteria provided, single submitter. Criteria: Invitae Variant Classification Sherloc (09022015). Collection method: clinical testing. Allele origin: germline.
Comment: In summary, the available evidence is currently insufficient to determine the role of this variant in disease. Therefore, it has been classified as a Variant of Uncertain Significance. Experimental studies and prediction algorithms are not available or were not evaluated, and the functional significance of this variant is currently unknown. This variant has not been reported in the literature in individuals affected with DIAPH1-related conditions. This variant is not present in population databases (gnomAD no frequency). This sequence change replaces proline, which is neutral and non-polar, with alanine, which is neutral and non-polar, at codon 450 of the DIAPH1 protein (p.Pro450Ala).

NM_005219.5(DIAPH1):c.1348C>G (p.Pro450Ala)

Gene: DIAPH1 (diaphanous related formin 1; minus strand). Cytogenetic location: 5q31.3.
Variant type: single nucleotide variant.
Coding change: c.1348C>G on transcript NM_005219.5 (MANE Select); coding-DNA position 1348, C replaced by G.
Protein change: p.Pro450Ala; replaces proline 450 with alanine.
Molecular consequence: missense variant.
Genome position (GRCh38, 1-based): chr5:141,576,804, G>C on the plus strand (C>G on the coding strand, the complement: DIAPH1 is on the minus strand). VCF-style: chr5-141576804-G-C. GRCh37 (hg19) VCF-style: chr5-140956371-G-C.
Other names: c.1321C>G, p.Pro441Ala (NM_001079812.3); c.1348C>G, p.Pro450Ala (NM_001314007.2); short protein forms P441A, P450A.
Identifiers: ClinVar variation 2939995 (VCV002939995.3), dbSNP rs1263533400, ClinGen allele CA361527717.